The following is an entry in ClinVar:

NM_032119.4(ADGRV1):c.5600G>T (p.Ser1867Ile)

Gene: ADGRV1 (adhesion G protein-coupled receptor V1; plus strand). Cytogenetic location: 5q14.3.
Variant type: single nucleotide variant.
Coding change: c.5600G>T on transcript NM_032119.4 (MANE Select); coding-DNA position 5600, G replaced by T.
Protein change: p.Ser1867Ile; replaces serine 1867 with isoleucine.
Molecular consequence: missense variant. On other transcripts: non-coding transcript variant (1).
Genome position (GRCh38, 1-based): chr5:90,681,390, G>T. VCF-style: chr5-90681390-G-T. GRCh37 (hg19) VCF-style: chr5-89977207-G-T.
Other names: short protein forms S1867I.
Identifiers: ClinVar variation 2002659 (VCV002002659.4), dbSNP rs1177586656, ClinGen allele CA360412377.

ClinVar aggregate classification (germline): Uncertain significance (1 of 4 stars; one submission).

Allele frequency attached by ClinVar (database versions not stated): gnomAD exomes below 0.00001.
gnomAD v4.1: 1 of 1,613,878 alleles (0.000062%); highest among the groups gnomAD compares: Non-Finnish European, 0.000085%; no homozygotes.

Submission:

Labcorp Genetics (formerly Invitae), Labcorp
Classification: Uncertain significance. Last evaluated: 2022-06-07. Review status: criteria provided, single submitter. Criteria: Invitae Variant Classification Sherloc (09022015). Collection method: clinical testing. Allele origin: germline.
Comment: In summary, the available evidence is currently insufficient to determine the role of this variant in disease. Therefore, it has been classified as a Variant of Uncertain Significance. Algorithms developed to predict the effect of missense changes on protein structure and function are either unavailable or do not agree on the potential impact of this missense change (SIFT: "Deleterious"; PolyPhen-2: "Probably Damaging"; Align-GVGD: "Class C0"). This variant has not been reported in the literature in individuals affected with ADGRV1-related conditions. This variant is present in population databases (no rsID available, gnomAD 0.0009%). This sequence change replaces serine, which is neutral and polar, with isoleucine, which is neutral and non-polar, at codon 1867 of the ADGRV1 protein (p.Ser1867Ile).